The following is an entry in ClinVar:

NM_015158.5(KANK1):c.120A>G (p.Gln40=)

Gene: KANK1 (KN motif and ankyrin repeat domains 1; plus strand). Cytogenetic location: 9p24.3.
Variant type: single nucleotide variant.
Coding change: c.120A>G on transcript NM_015158.5 (MANE Select); coding-DNA position 120, A replaced by G.
Protein change: p.Gln40=; no amino-acid change (glutamine 40 retained).
Molecular consequence: synonymous variant. On other transcripts: 5 prime UTR variant (12), non-coding transcript variant (1).
Genome position (GRCh38, 1-based): chr9:710,886, A>G. VCF-style: chr9-710886-A-G. GRCh37 (hg19) VCF-style: chr9-710886-A-G.
Other names: c.120A>G, p.Gln40= (NM_001256876.3, NM_001256877.3, NM_001354331.2 and 2 more transcripts); c.-355A>G (NM_001354333.2, NM_001354335.2, NM_001354336.2 and 9 more transcripts); c.120A>G (NM_015158.3).
Identifiers: ClinVar variation 3714748 (VCV003714748.9).
Genomic context (GRCh38, chr9:710,886, plus strand): 5'-TGGAGACCAGGACAAGGAACAGAAAGACCCTTACTTTGTGGAGACCCCCTATGGTTATCA[A>G]CTAGACTTAGATTTCCTCAAATATGTGGATGACATACAGAAGGGAAATACCATCAAAAGA-3'
Protein context (NP_055973.2, residues 30-50): PYFVETPYGY[Gln40=]LDLDFLKYVD

ClinVar aggregate classification (germline): Likely benign. Review status: criteria provided, multiple submitters, no conflicts (2 of 4 stars). 3 submissions from 3 submitters: Likely benign (3). Last evaluated 2026-09-14.

Conditions:
KANK1-related disorder. Also called: KANK1-related condition.

Submissions (3):

PreventionGenetics, part of Exact Sciences
Classification: Likely benign for KANK1-related condition. Last evaluated: 2026-09-14. Review status: criteria provided, single submitter. Criteria: ACMG Guidelines, 2015. Collection method: clinical testing. Allele origin: germline.
Comment: This variant is classified as likely benign based on ACMG/AMP sequence variant interpretation guidelines (Richards et al. 2015 PMID: 25741868, with internal and published modifications).

CeGaT Center for Human Genetics Tuebingen
Classification: Likely benign. Last evaluated: 2025-10-01. Review status: criteria provided, single submitter. Criteria: CeGaT Center For Human Genetics Tuebingen Variant Classification Criteria Version 2. Collection method: clinical testing. Allele origin: germline. Affected: yes. Observed: 1 variant allele.
Comment: KANK1: BP4, BP7

Labcorp Genetics (formerly Invitae), Labcorp
Classification: Likely benign. Last evaluated: 2024-03-20. Review status: criteria provided, single submitter. Criteria: Invitae Variant Classification Sherloc (09022015). Collection method: clinical testing. Allele origin: germline.